The following is an entry in ClinVar:

ClinVar aggregate classification (germline): Uncertain significance. Review status: criteria provided, multiple submitters, no conflicts (2 of 4 stars). 2 submissions from 2 submitters: Uncertain significance (2). Last evaluated 2025-09-26.

Conditions:
CFI-related disorder. Also called: CFI-related condition; CFI-related disorders. Identifiers: MedGen CN239325.

gnomAD v4.1: 7 of 1,613,140 alleles (0.00043%); highest among the groups gnomAD compares: African/African-American, 0.004%; no homozygotes.

Submissions (2):

Genomenon, Inc
Classification: Uncertain significance for CFI-related disorder. Last evaluated: 2025-09-26. Review status: criteria provided, single submitter. Criteria: Genomenon Sequence Variant Interpretation Standards - Updated. Collection method: curation. Allele origin: germline. Affected: no.
Comment: CFI p.Arg502Cys (c.1504C>T) is a missense variant that changes the amino acid at residue 502 from Arginine to Cysteine. To our knowledge, this variant has not been reported in patients affected with CFI-related disorders in the published literature. Functional studies have been reported; however, the significance of the findings remain unclear (PMID:32510551). It is absent or not present at a significant frequency in gnomAD. In silico models agree that this variant is possibly or probably damaging. In conclusion, we classify CFI p.Arg502Cys (c.1504C>T) as a variant of unknown significance.

Labcorp Genetics (formerly Invitae), Labcorp
Classification: Uncertain significance. Last evaluated: 2025-09-13. Review status: criteria provided, single submitter. Criteria: Invitae Variant Classification Sherloc (09022015). Collection method: clinical testing. Allele origin: germline.
Comment: This sequence change replaces arginine, which is basic and polar, with cysteine, which is neutral and slightly polar, at codon 502 of the CFI protein (p.Arg502Cys). This variant is present in population databases (no rsID available, gnomAD 0.005%). This missense change has been observed in individual(s) with CFI-related conditions (PMID: 24036952, 32510551, 32908800, 34153144). ClinVar contains an entry for this variant (Variation ID: 3720587). Invitae Evidence Modeling of protein sequence and biophysical properties (such as structural, functional, and spatial information, amino acid conservation, physicochemical variation, residue mobility, and thermodynamic stability) indicates that this missense variant is expected to disrupt CFI protein function with a positive predictive value of 80%. Experimental studies are conflicting or provide insufficient evidence to determine the effect of this variant on CFI function (PMID: 32510551, 32908800). In summary, the available evidence is currently insufficient to determine the role of this variant in disease. Therefore, it has been classified as a Variant of Uncertain Significance.

Literature cited by the submitters: PubMed 32510551 (cited by Genomenon, Inc and Labcorp Genetics (formerly Invitae), Labcorp); PubMed 24036952 (cited by Labcorp Genetics (formerly Invitae), Labcorp); PubMed 32908800 (cited by Labcorp Genetics (formerly Invitae), Labcorp); PubMed 34153144 (cited by Labcorp Genetics (formerly Invitae), Labcorp).

NM_000204.5(CFI):c.1504C>T (p.Arg502Cys)

Gene: CFI (complement factor I; minus strand). Cytogenetic location: 4q25.
Variant type: single nucleotide variant.
Coding change: c.1504C>T on transcript NM_000204.5 (MANE Select); coding-DNA position 1504, C replaced by T.
Protein change: p.Arg502Cys; replaces arginine 502 with cysteine.
Molecular consequence: missense variant. On other transcripts: non-coding transcript variant (3).
Genome position (GRCh38, 1-based): chr4:109,742,521, G>A on the plus strand (C>T on the coding strand, the complement: CFI is on the minus strand). VCF-style: chr4-109742521-G-A. GRCh37 (hg19) VCF-style: chr4-110663677-G-A.
Other names: c.1528C>T, p.Arg510Cys (NM_001318057.2, NM_001375278.1); c.1483C>T, p.Arg495Cys (NM_001331035.2, NM_001375280.1, NM_001375282.1); c.1504C>T, p.Arg502Cys (NM_001375279.1, NM_001375281.1); c.1447C>T, p.Arg483Cys (NM_001375283.1); c.895C>T, p.Arg299Cys (NM_001375284.1); short protein forms R299C, R495C, R502C, R483C, R510C.
Identifiers: ClinVar variation 3720587 (VCV003720587.3).